The following is an entry in ClinVar:

ClinVar aggregate classification (germline): Uncertain significance (1 of 4 stars; one submission).

Conditions:
Shprintzen-Goldberg syndrome (SGS). Also called: Marfanoid disorder with craniosynostosis type 1; Marfanoid craniosynostosis syndrome; Shprintzen-Goldberg marfanoid syndrome; SHPRINTZEN-GOLDBERG CRANIOSYNOSTOSIS SYNDROME; CRANIOSYNOSTOSIS WITH ARACHNODACTYLY AND ABDOMINAL HERNIAS. Identifiers: Orphanet 2462, MedGen C1321551, MONDO:0008426, OMIM 182212.

gnomAD v4.1: 1 of 1,394,856 alleles (0.000072%); highest among the groups gnomAD compares: Non-Finnish European, 0.000093%; no homozygotes.

Submission:

Labcorp Genetics (formerly Invitae), Labcorp
Classification: Uncertain significance for Shprintzen-Goldberg syndrome. Last evaluated: 2026-02-01. Review status: criteria provided, single submitter. Criteria: Invitae Variant Classification Sherloc (09022015). Collection method: clinical testing. Allele origin: germline.
Comment: This sequence change replaces proline, which is neutral and non-polar, with serine, which is neutral and polar, at codon 61 of the SKI protein (p.Pro61Ser). This variant is not present in population databases (gnomAD no frequency). This variant has not been reported in the literature in individuals affected with SKI-related conditions. Invitae Evidence Modeling of protein sequence and biophysical properties (such as structural, functional, and spatial information, amino acid conservation, physicochemical variation, residue mobility, and thermodynamic stability) indicates that this missense variant is not expected to disrupt SKI protein function with a negative predictive value of 95%. In summary, the available evidence is currently insufficient to determine the role of this variant in disease. Therefore, it has been classified as a Variant of Uncertain Significance.

NM_003036.4(SKI):c.181C>T (p.Pro61Ser)

Gene: SKI (SKI proto-oncogene; plus strand). Cytogenetic location: 1p36.33.
Variant type: single nucleotide variant.
Coding change: c.181C>T on transcript NM_003036.4 (MANE Select); coding-DNA position 181, C replaced by T.
Protein change: p.Pro61Ser; replaces proline 61 with serine.
Molecular consequence: missense variant.
Genome position (GRCh38, 1-based): chr1:2,228,947, C>T. VCF-style: chr1-2228947-C-T. GRCh37 (hg19) VCF-style: chr1-2160386-C-T.
Other names: short protein forms P61S.
Identifiers: ClinVar variation 4779592 (VCV004779592.1).